The following is an entry in ClinVar:

NM_001958.5(EEF1A2):c.1061G>A (p.Ser354Asn)

Gene: EEF1A2 (eukaryotic translation elongation factor 1 alpha 2; minus strand). Cytogenetic location: 20q13.33.
Variant type: single nucleotide variant.
Coding change: c.1061G>A on transcript NM_001958.5 (MANE Select); coding-DNA position 1061, G replaced by A.
Protein change: p.Ser354Asn; replaces serine 354 with asparagine.
Molecular consequence: missense variant.
Genome position (GRCh38, 1-based): chr20:63,489,121, C>T on the plus strand (G>A on the coding strand, the complement: EEF1A2 is on the minus strand). VCF-style: chr20-63489121-C-T. GRCh37 (hg19) VCF-style: chr20-62120474-C-T.
Other names: short protein forms S354N.
Identifiers: ClinVar variation 3677419 (VCV003677419.2).

ClinVar aggregate classification (germline): Uncertain significance (1 of 4 stars; one submission).

Conditions:
Developmental and epileptic encephalopathy, 33 (DEE33). Also called: Epileptic encephalopathy, early infantile, 33. Identifiers: Orphanet 442835, MedGen C4225337, MONDO:0014625, OMIM 616409.

gnomAD v4.1: 3 of 1,612,616 alleles (0.00019%); highest among the groups gnomAD compares: African/African-American, 0.0027%; no homozygotes.

Submission:

Labcorp Genetics (formerly Invitae), Labcorp
Classification: Uncertain significance for Developmental and epileptic encephalopathy, 33. Last evaluated: 2024-06-24. Review status: criteria provided, single submitter. Criteria: Invitae Variant Classification Sherloc (09022015). Collection method: clinical testing. Allele origin: germline.
Comment: This sequence change replaces serine, which is neutral and polar, with asparagine, which is neutral and polar, at codon 354 of the EEF1A2 protein (p.Ser354Asn). This variant is present in population databases (no rsID available, gnomAD 0.01%). This variant has not been reported in the literature in individuals affected with EEF1A2-related conditions. Advanced modeling of protein sequence and biophysical properties (such as structural, functional, and spatial information, amino acid conservation, physicochemical variation, residue mobility, and thermodynamic stability) performed at Invitae indicates that this missense variant is not expected to disrupt EEF1A2 protein function with a negative predictive value of 80%. In summary, the available evidence is currently insufficient to determine the role of this variant in disease. Therefore, it has been classified as a Variant of Uncertain Significance.